The following is an entry in ClinVar:

NM_000142.5(FGFR3):c.1078G>C (p.Glu360Gln)

Gene: FGFR3 (fibroblast growth factor receptor 3; plus strand). Cytogenetic location: 4p16.3.
Variant type: single nucleotide variant.
Coding change: c.1078G>C on transcript NM_000142.5 (MANE Select); coding-DNA position 1078, G replaced by C.
Protein change: p.Glu360Gln; replaces glutamic acid 360 with glutamine.
Molecular consequence: missense variant. On other transcripts: non-coding transcript variant (1), intron variant (1).
Genome position (GRCh38, 1-based): chr4:1,804,332, G>C. VCF-style: chr4-1804332-G-C. GRCh37 (hg19) VCF-style: chr4-1806059-G-C.
Other names: c.1084G>C, p.Glu362Gln (NM_001163213.2); c.1078G>C, p.Glu360Gln (NM_001354809.2, NM_001354810.2); c.931-492G>C (NM_022965.4); short protein forms E362Q, E360Q.
Identifiers: ClinVar variation 2147468 (VCV002147468.5), dbSNP rs757013992, ClinGen allele CA2810255.
Genomic context (GRCh38, chr4:1,804,332, plus strand): 5'-CATGGGAGCCCCGTGGGGGGGGGGGCCAGGCCAGGCCTCAACGCCCATGTCTTTGCAGCC[G>C]AGGAGGAGCTGGTGGAGGCTGACGAGGCGGGCAGTGTGTATGCAGGCATCCTCAGCTACG-3'
Protein context (NP_000133.1, residues 350-370): HSAWLVVLPA[Glu360Gln]EELVEADEAG

ClinVar aggregate classification (germline): Uncertain significance (1 of 4 stars; one submission).

gnomAD v4.1: 43 of 1,604,492 alleles (0.0027%); highest among the groups gnomAD compares: African/African-American, 0.012%; no homozygotes.

Submissions (2):

Labcorp Genetics (formerly Invitae), Labcorp
Classification: Uncertain significance. Last evaluated: 2023-12-28. Review status: criteria provided, single submitter. Criteria: Invitae Variant Classification Sherloc (09022015). Collection method: clinical testing. Allele origin: germline.
Comment: This sequence change replaces glutamic acid, which is acidic and polar, with glutamine, which is neutral and polar, at codon 360 of the FGFR3 protein (p.Glu360Gln). This variant is present in population databases (rs757013992, gnomAD 0.008%). This variant has not been reported in the literature in individuals affected with FGFR3-related conditions. ClinVar contains an entry for this variant (Variation ID: 2147468). An algorithm developed to predict the effect of missense changes on protein structure and function (PolyPhen-2) suggests that this variant is likely to be tolerated. Algorithms developed to predict the effect of sequence changes on RNA splicing suggest that this variant may create or strengthen a splice site. In summary, the available evidence is currently insufficient to determine the role of this variant in disease. Therefore, it has been classified as a Variant of Uncertain Significance.

Dr. Peter K. Rogan Lab, Western University
No classification provided (evidence only). Condition: Cervical cancer. Review status: no classification provided. Collection method: in vitro. Allele origin: not applicable. Functional consequence: retained intron. Not counted in ClinVar's aggregate classification.